The following is an entry in ClinVar:

ClinVar aggregate classification (germline): Uncertain significance (1 of 4 stars; one submission).

Submission:

Labcorp Genetics (formerly Invitae), Labcorp
Classification: Uncertain significance. Last evaluated: 2020-09-05. Review status: criteria provided, single submitter. Criteria: Invitae Variant Classification Sherloc (09022015). Collection method: clinical testing. Allele origin: germline.
Comment: In summary, the available evidence is currently insufficient to determine the role of this variant in disease. Therefore, it has been classified as a Variant of Uncertain Significance. Algorithms developed to predict the effect of sequence changes on RNA splicing suggest that this variant may create or strengthen a splice site, but this prediction has not been confirmed by published transcriptional studies. Algorithms developed to predict the effect of missense changes on protein structure and function are either unavailable or do not agree on the potential impact of this missense change (SIFT: "Tolerated"; PolyPhen-2: "Probably Damaging"; Align-GVGD: "Class C0"). This variant has not been reported in the literature in individuals with IMPAD1-related conditions. This variant is present in population databases (rs373619609, ExAC 0.009%). This sequence change replaces asparagine with serine at codon 305 of the IMPAD1 protein (p.Asn305Ser). The asparagine residue is moderately conserved and there is a small physicochemical difference between asparagine and serine.

NM_017813.5(BPNT2):c.914A>G (p.Asn305Ser)

Gene: BPNT2 (3'(2'), 5'-bisphosphate nucleotidase 2; minus strand). Cytogenetic location: 8q12.1.
Variant type: single nucleotide variant.
Coding change: c.914A>G on transcript NM_017813.5 (MANE Select); coding-DNA position 914, A replaced by G.
Protein change: p.Asn305Ser; replaces asparagine 305 with serine.
Molecular consequence: missense variant.
Genome position (GRCh38, 1-based): chr8:56,963,959, T>C on the plus strand (A>G on the coding strand, the complement: BPNT2 is on the minus strand). VCF-style: chr8-56963959-T-C. GRCh37 (hg19) VCF-style: chr8-57876518-T-C.
Other names: short protein forms N305S.
Identifiers: ClinVar variation 1052502 (VCV001052502.9), dbSNP rs373619609, ClinGen allele CA4755779.